The following is an entry in ClinVar:

ClinVar aggregate classification (germline): Conflicting classifications of pathogenicity. Review status: criteria provided, conflicting classifications (1 of 4 stars). 2 submissions from 2 submitters: Likely pathogenic (1); Uncertain significance (1). Last evaluated 2022-10-08.

Conditions:
Noonan syndrome 2 (NS2). Identifiers: Orphanet 648, MedGen C1854469, MONDO:0011531, OMIM 605275.

Submissions (2):

GeneDx
Classification: Uncertain significance. Last evaluated: 2022-10-08. Review status: criteria provided, single submitter. Criteria: GeneDx Variant Classification Process June 2021. Collection method: clinical testing. Allele origin: germline. Affected: yes.
Comment: Not observed at significant frequency in large population cohorts (gnomAD); In silico analysis supports that this missense variant has a deleterious effect on protein structure/function; Has not been previously published as pathogenic or benign to our knowledge

Mendelics
Classification: Likely pathogenic for Noonan syndrome 2. Last evaluated: 2022-05-04. Review status: criteria provided, single submitter. Criteria: Mendelics Assertion Criteria 2019. Collection method: clinical testing. Allele origin: germline.

NM_006767.4(LZTR1):c.685T>C (p.Cys229Arg)

Gene: LZTR1 (leucine zipper like post translational regulator 1; plus strand). Cytogenetic location: 22q11.21.
Variant type: single nucleotide variant.
Coding change: c.685T>C on transcript NM_006767.4 (MANE Select); coding-DNA position 685, T replaced by C.
Protein change: p.Cys229Arg; replaces cysteine 229 with arginine.
Molecular consequence: missense variant.
Genome position (GRCh38, 1-based): chr22:20,990,419, T>C. VCF-style: chr22-20990419-T-C. GRCh37 (hg19) VCF-style: chr22-21344708-T-C.
Other names: c.685T>C (NM_006767.3); short protein forms C229R.
Identifiers: ClinVar variation 1685372 (VCV001685372.2), dbSNP rs886041925, ClinGen allele CA410780478.